The following is an entry in ClinVar:

NM_000760.4(CSF3R):c.1262C>T (p.Pro421Leu)

Gene: CSF3R (colony stimulating factor 3 receptor; minus strand). Cytogenetic location: 1p34.3.
Variant type: single nucleotide variant.
Coding change: c.1262C>T on transcript NM_000760.4 (MANE Select); coding-DNA position 1262, C replaced by T.
Protein change: p.Pro421Leu; replaces proline 421 with leucine.
Molecular consequence: missense variant.
Genome position (GRCh38, 1-based): chr1:36,471,456, G>A on the plus strand (C>T on the coding strand, the complement: CSF3R is on the minus strand). VCF-style: chr1-36471456-G-A. GRCh37 (hg19) VCF-style: chr1-36937057-G-A.
Other names: c.1262C>T, p.Pro421Leu (NM_156039.3, NM_172313.3); c.1262C>T (NM_000760.3); short protein forms P421L.
Identifiers: ClinVar variation 2891907 (VCV002891907.4), dbSNP rs776379864, ClinGen allele CA769247.

ClinVar aggregate classification (germline): Likely benign. Review status: criteria provided, single submitter (1 of 4 stars). 2 submissions from 2 submitters: Likely benign (1). 1 of the submissions does not count toward it. Last evaluated 2025-04-22.

Conditions:
CSF3R-related disorder. Also called: CSF3R-related condition.
Autosomal recessive severe congenital neutropenia due to CSF3R deficiency. Also called: Neutropenia, severe congenital, 7, autosomal recessive. Identifiers: Orphanet 420702, MedGen C4310764, MONDO:0014865, OMIM 617014.

Allele frequency attached by ClinVar (database versions not stated): ExAC 0.00021.
gnomAD v4.1: 162 of 1,614,012 alleles (0.01%); highest among the groups gnomAD compares: African/African-American, 0.008%; no homozygotes.

Submissions (2):

Labcorp Genetics (formerly Invitae), Labcorp
Classification: Likely benign for Autosomal recessive severe congenital neutropenia due to CSF3R deficiency. Last evaluated: 2025-04-22. Review status: criteria provided, single submitter. Criteria: Invitae Variant Classification Sherloc (09022015). Collection method: clinical testing. Allele origin: germline.

PreventionGenetics, part of Exact Sciences
Classification: Likely benign for CSF3R-related condition. Last evaluated: 2024-08-27. Review status: no assertion criteria provided. Collection method: clinical testing. Allele origin: germline. Not counted in ClinVar's aggregate classification.
Comment: This variant is classified as likely benign based on ACMG/AMP sequence variant interpretation guidelines (Richards et al. 2015 PMID: 25741868, with internal and published modifications).